The following is an entry in ClinVar:

ClinVar aggregate classification (germline): Conflicting classifications of pathogenicity. Review status: criteria provided, conflicting classifications (1 of 4 stars). 2 submissions from 2 submitters: Uncertain significance (1); Likely benign (1). Last evaluated 2024-05-23.

Conditions:
Hereditary pancreatitis (PCTT). Also called: PRSS1-Related Hereditary Pancreatitis; Hereditary chronic pancreatitis. Identifiers: Orphanet 676, MedGen C0238339, MONDO:0008185, OMIM 167800.

gnomAD v4.1: 3 of 1,614,148 alleles (0.00019%); highest among the groups gnomAD compares: Non-Finnish European, 0.000085%; no homozygotes.

Submissions (2):

Ambry Genetics
Classification: Likely benign for Hereditary pancreatitis. Last evaluated: 2024-05-23. Review status: criteria provided, single submitter. Criteria: Ambry Variant Classification Scheme 2023. Collection method: clinical testing. Allele origin: germline.

Labcorp Genetics (formerly Invitae), Labcorp
Classification: Uncertain significance. Last evaluated: 2021-09-04. Review status: criteria provided, single submitter. Criteria: Invitae Variant Classification Sherloc (09022015). Collection method: clinical testing. Allele origin: germline.
Comment: This sequence change creates a premature translational stop signal (p.Gln103*) in the CPA1 gene. It is expected to result in an absent or disrupted protein product. However, the current clinical and genetic evidence is not sufficient to establish whether loss-of-function variants in CPA1 cause disease. This variant is not present in population databases (ExAC no frequency). This variant has not been reported in the literature in individuals affected with CPA1-related conditions. In summary, the available evidence is currently insufficient to determine the role of this variant in disease. Therefore, it has been classified as a Variant of Uncertain Significance.

NM_001868.4(CPA1):c.307C>T (p.Gln103Ter)

Gene: CPA1 (carboxypeptidase A1; plus strand). Cytogenetic location: 7q32.2.
Variant type: single nucleotide variant.
Coding change: c.307C>T on transcript NM_001868.4 (MANE Select); coding-DNA position 307, C replaced by T.
Protein change: p.Gln103Ter; replaces glutamine 103 with a stop codon.
Molecular consequence: nonsense.
Genome position (GRCh38, 1-based): chr7:130,381,789, C>T. VCF-style: chr7-130381789-C-T. GRCh37 (hg19) VCF-style: chr7-130021630-C-T.
Other names: c.307C>T (NM_001868.2); short protein forms Q103*.
Identifiers: ClinVar variation 1503323 (VCV001503323.7), dbSNP rs997840503, ClinGen allele CA369280270.
Genomic context (GRCh38, chr7:130,381,789, plus strand): 5'-GGCATCAGCTATGAGACCATGATCGAGGACGTGCAGTCGCTGCTGGACGAGGAGCAGGAG[C>T]AGATGTTCGCCTTCCGGTCCCGGGCGCGCTCCACCGACACTTTTAACTACGCCACCTACC-3'